The following is an entry in ClinVar:

NM_001165963.4(SCN1A):c.383+1A>G

Gene: SCN1A (sodium voltage-gated channel alpha subunit 1; minus strand). Cytogenetic location: 2q24.3.
Variant type: single nucleotide variant.
Coding change: c.383+1A>G on transcript NM_001165963.4 (MANE Select); the canonical splice donor site of the intron after coding-DNA position 383, A replaced by G.
Molecular consequence: splice donor variant.
Genome position (GRCh38, 1-based): chr2:166,058,569, T>C on the plus strand (A>G on the coding strand, the complement: SCN1A is on the minus strand). VCF-style: chr2-166058569-T-C. GRCh37 (hg19) VCF-style: chr2-166915079-T-C.
Other names: c.383+1A>G (NM_001353949.2, NM_001353958.2, NM_001353950.2 and 10 more transcripts); c.-2043+1A>G (NM_001353961.2).
Identifiers: ClinVar variation 189967 (VCV000189967.11), dbSNP rs794726803, ClinGen allele CA303437.

ClinVar aggregate classification (germline): Pathogenic. Review status: criteria provided, multiple submitters, no conflicts (2 of 4 stars). 3 submissions from 3 submitters: Pathogenic (3). Last evaluated 2024-02-24.

Conditions:
Early-infantile DEE. Also called: Early infantile epileptic encephalopathy; Ohtahara syndrome; Early infantile epileptic encephalopathy with suppression bursts. Identifiers: Orphanet 1934, MedGen C0393706, MONDO:0800491.
Inborn genetic diseases. Identifiers: MedGen C0950123, MeSH D030342.
Severe myoclonic epilepsy in infancy (DRVT). Also called: Epileptic encephalopathy, early infantile, 6 (Dravet syndrome); SEVERE MYOCLONIC EPILEPSY OF INFANCY; DEVELOPMENTAL AND EPILEPTIC ENCEPHALOPATHY 6A; Severe Myoclonic Epilepsy in Infancy (SMEI); Dravet syndrome. Identifiers: Orphanet 33069, MedGen C0751122, MONDO:0100135, OMIM 607208.

Submissions (3):

Labcorp Genetics (formerly Invitae), Labcorp
Classification: Pathogenic for Early-infantile DEE. Last evaluated: 2024-02-24. Review status: criteria provided, single submitter. Criteria: Invitae Variant Classification Sherloc (09022015). Collection method: clinical testing. Allele origin: germline.
Comment: This sequence change falls in intron 2 of the SCN1A gene. It does not directly change the encoded amino acid sequence of the SCN1A protein. It affects a nucleotide within the consensus splice site. This variant is not present in population databases (gnomAD no frequency). This variant has been observed in individual(s) with early infantile epileptic encephalopathy or Dravet syndrome (PMID: 19782004, 23884151; Invitae). In at least one individual the variant was observed to be de novo. ClinVar contains an entry for this variant (Variation ID: 189967). Variants that disrupt the consensus splice site are a relatively common cause of aberrant splicing (PMID: 17576681, 9536098). This variant disrupts the c.383+1A nucleotide in the SCN1A gene. Other variant(s) that disrupt this nucleotide have been determined to be pathogenic (PMID: 18930999). This suggests that this nucleotide is clinically significant, and that variants that disrupt this position are likely to be disease-causing. For these reasons, this variant has been classified as Pathogenic.

Ambry Genetics
Classification: Pathogenic for Inborn genetic diseases. Last evaluated: 2017-07-03. Review status: criteria provided, single submitter. Criteria: Ambry Variant Classification Scheme 2023. Collection method: clinical testing. Allele origin: germline.
Comment: The c.383+1A>G intronic pathogenic mutation results from an A to G substitution one nucleotide after coding exon 2 of the SCN1A gene. This mutation has been detected as de novo occurrences in two unrelated individuals fulfilling diagnostic criteria for Dravet syndrome and Lennox-Gastaut syndrome (LGS); however paternity was not confirmed in either case (Selmer KK, et al. Epilepsy Behav 2009; 16(3):555-7. Xu X, et al. Brain Dev. 2014; 36(8):676-81). A similar alteration, located at the same nucleotide position, c.383+1A>C, was detected in an individual fulfilling diagnostic criteria for Dravet syndrome (Depienne C, et al. J. Med. Genet. 2009; 46(3):183-91). Based on the supporting evidence, c.383+1A>G is interpreted as a disease-causing mutation.

Center for Bioinformatics, Peking University
Classification: Pathogenic for Dravet syndrome. Last evaluated: 2014-12-20. Review status: criteria provided, single submitter. Criteria: Xu et al. (Hum Mutat. 2015). Collection method: research. Allele origin: inherited. Affected: yes. Observed: 2 variant alleles. Study: University Clinical Cooperation “985 Project” PKU-2014-1-1.
Comment: Dravet syndrome (DS) probands were recruited from the outpatient and inpatient child neurology units of Peking University First Hospital from 2005 till present. The study was approved by the Ethics Committee of Peking University First Hospital and the Institutional Review Board at Peking University. Participants or their parents provided written informed consent before enrollment. We collected a total of 267 mutations from 255 families with probands diagnosed with DS in China. All probands fulfilled the clinical diagnostic criteria.

Literature cited by the submitters: PubMed 19782004 (cited by Labcorp Genetics (formerly Invitae), Labcorp and Ambry Genetics); PubMed 23884151 (cited by Labcorp Genetics (formerly Invitae), Labcorp); PubMed 17576681 (cited by Labcorp Genetics (formerly Invitae), Labcorp); PubMed 9536098 (cited by Labcorp Genetics (formerly Invitae), Labcorp); PubMed 18930999 (cited by Labcorp Genetics (formerly Invitae), Labcorp and Ambry Genetics); PubMed 24168886 (cited by Ambry Genetics).